The following is an entry in ClinVar:

NM_002524.5(NRAS):c.*2667T>C

Gene: NRAS (NRAS proto-oncogene, GTPase; minus strand). Cytogenetic location: 1p13.2.
Variant type: single nucleotide variant.
Coding change: c.*2667T>C on transcript NM_002524.5 (MANE Select); 2667 bases downstream of the stop codon, T replaced by C.
Molecular consequence: 3 prime UTR variant.
Genome position (GRCh38, 1-based): chr1:114,705,427, A>G on the plus strand (T>C on the coding strand, the complement: NRAS is on the minus strand). VCF-style: chr1-114705427-A-G. GRCh37 (hg19) VCF-style: chr1-115248048-A-G.
Identifiers: ClinVar variation 291953 (VCV000291953.6), dbSNP rs145382662, ClinGen allele CA10607657.
Genomic context (GRCh38, chr1:114,705,427, plus strand): 5'-CCGGCATGGTAGCCTTCAGACAGAACATCTTATTTTCACTCTTGAACATGTAACCTTTAA[A>G]AAAACCAAAAGGAATATGTAATTTATGACAGCTGGCCAGGCACTTAATTTGGGGAAAGAG-3'

ClinVar aggregate classification (germline): Benign. Review status: criteria provided, multiple submitters, no conflicts (2 of 4 stars). 2 submissions from 2 submitters: Benign (2). Last evaluated 2018-01-13.

Conditions:
Noonan syndrome 6 (NS6). Also called: NRAS-Related Noonan Syndrome. Identifiers: Orphanet 648, MedGen C2750732, MONDO:0013186, OMIM 613224.

Allele frequency attached by ClinVar (database versions not stated): TOPMed 0.02064; gnomAD 0.02560 and 0.02698; 1000 Genomes Project 30x 0.00968; 1000 Genomes Project 0.01078.

Submissions (2):

Illumina Laboratory Services, Illumina
Classification: Benign for Noonan syndrome 6. Last evaluated: 2018-01-13. Review status: criteria provided, single submitter. Criteria: ICSL Variant Classification Criteria 13 December 2019. Collection method: clinical testing. Allele origin: germline.
Comment: This variant was observed in the ICSL laboratory as part of a predisposition screen in an ostensibly healthy population. It had not been previously curated by ICSL or reported in the Human Gene Mutation Database (HGMD: prior to June 1st, 2018), and was therefore a candidate for classification through an automated scoring system. Utilizing variant allele frequency, disease prevalence and penetrance estimates, and inheritance mode, an automated score was calculated to assess if this variant is too frequent to cause the disease. Based on the score and internal cut-off values, a variant classified as benign is not then subjected to further curation. The score for this variant resulted in a classification of benign for this disease.

Breakthrough Genomics
Classification: Benign. Review status: criteria provided, single submitter. Criteria: ACMG Guidelines, 2015. Collection method: not provided. Allele origin: germline. Inheritance: Autosomal dominant inheritance. Affected: yes.